The following is an entry in ClinVar:

NM_013450.4(BAZ2B):c.4518T>G (p.His1506Gln)

Genes: BAZ2B (bromodomain adjacent to zinc finger domain 2B; minus strand), LOC126806390 (CDK7 strongly-dependent group 2 enhancer GRCh37_chr2:160205700-160206899; plus strand). Cytogenetic location: 2q24.2.
Variant type: single nucleotide variant.
Coding change: c.4518T>G on transcript NM_013450.4 (MANE Select); coding-DNA position 4518, T replaced by G.
Protein change: p.His1506Gln; replaces histidine 1506 with glutamine.
Molecular consequence: missense variant.
Genome position (GRCh38, 1-based): chr2:159,350,053, A>C on the plus strand (T>G on the coding strand, the complement: BAZ2B is on the minus strand). VCF-style: chr2-159350053-A-C. GRCh37 (hg19) VCF-style: chr2-160206564-A-C.
Other names: c.4410T>G, p.His1470Gln (NM_001289975.1); c.4356T>G, p.His1452Gln (NM_001329857.2); c.4443T>G, p.His1481Gln (NM_001329858.2); short protein forms H1452Q, H1470Q, H1481Q, H1506Q.
Identifiers: ClinVar variation 4975569 (VCV004975569.1).

ClinVar aggregate classification (germline): Uncertain significance (1 of 4 stars; one submission).

Submission:

GeneDx
Classification: Uncertain significance. Last evaluated: 2026-01-23. Review status: criteria provided, single submitter. Criteria: GeneDx Variant Classification Process June 2021. Collection method: clinical testing. Allele origin: germline.
Comment: Not observed at significant frequency in large population cohorts (gnomAD); In silico analysis suggests that this missense variant does not alter protein structure/function; Has not been previously published as pathogenic or benign to our knowledge